The following is an entry in ClinVar:

NM_004560.4(ROR2):c.1624G>A (p.Val542Met)

Gene: ROR2 (receptor tyrosine kinase like orphan receptor 2; minus strand). Cytogenetic location: 9q22.31.
Variant type: single nucleotide variant.
Coding change: c.1624G>A on transcript NM_004560.4 (MANE Select); coding-DNA position 1624, G replaced by A.
Protein change: p.Val542Met; replaces valine 542 with methionine.
Molecular consequence: missense variant.
Genome position (GRCh38, 1-based): chr9:91,724,870, C>T on the plus strand (G>A on the coding strand, the complement: ROR2 is on the minus strand). VCF-style: chr9-91724870-C-T. GRCh37 (hg19) VCF-style: chr9-94487152-C-T.
Other names: short protein forms V542M.
Identifiers: ClinVar variation 1407886 (VCV001407886.7), dbSNP rs140213020, ClinGen allele CA5120626.

ClinVar aggregate classification (germline): Uncertain significance. Review status: criteria provided, multiple submitters, no conflicts (2 of 4 stars). 2 submissions from 2 submitters: Uncertain significance (2). Last evaluated 2025-12-10.

Conditions:
Brachydactyly type B1 (BDB1). Identifiers: Orphanet 572385, Orphanet 93383, MedGen C1862112, MONDO:0007220, OMIM 113000.
Autosomal recessive Robinow syndrome (RRS1). Also called: COSTOVERTEBRAL SEGMENTATION DEFECT WITH MESOMELIA; COVESDEM SYNDROME; ROR2-Related Robinow Syndrome; ROBINOW SYNDROME, AUTOSOMAL RECESSIVE 1. Identifiers: Orphanet 1507, Orphanet 97360, MedGen C5399974, MONDO:0009999, OMIM 268310.

Allele frequency attached by ClinVar (database versions not stated): TOPMed 0.00006; ESP Exome Variant Server 0.00008; gnomAD 0.00010.
gnomAD v4.1: 92 of 1,601,798 alleles (0.0057%); highest among the groups gnomAD compares: Middle Eastern, 0.017%; no homozygotes.

Submissions (2):

Labcorp Genetics (formerly Invitae), Labcorp
Classification: Uncertain significance. Last evaluated: 2025-12-10. Review status: criteria provided, single submitter. Criteria: Invitae Variant Classification Sherloc (09022015). Collection method: clinical testing. Allele origin: germline.
Comment: This sequence change replaces valine, which is neutral and non-polar, with methionine, which is neutral and non-polar, at codon 542 of the ROR2 protein (p.Val542Met). This variant is present in population databases (rs140213020, gnomAD 0.009%). This variant has not been reported in the literature in individuals affected with ROR2-related conditions. ClinVar contains an entry for this variant (Variation ID: 1407886). Invitae Evidence Modeling of protein sequence and biophysical properties (such as structural, functional, and spatial information, amino acid conservation, physicochemical variation, residue mobility, and thermodynamic stability) indicates that this missense variant is not expected to disrupt ROR2 protein function with a negative predictive value of 80%. In summary, the available evidence is currently insufficient to determine the role of this variant in disease. Therefore, it has been classified as a Variant of Uncertain Significance.

Fulgent Genetics
Classification: Uncertain significance for Brachydactyly type B1; Autosomal recessive Robinow syndrome. Last evaluated: 2021-08-30. Review status: criteria provided, single submitter. Criteria: ACMG Guidelines, 2015. Collection method: clinical testing. Allele origin: unknown.